The following is an entry in ClinVar:

ClinVar aggregate classification (germline): Uncertain significance (1 of 4 stars; one submission).

Conditions:
Tuberous sclerosis 2 (TSC2). Identifiers: Orphanet 805, MedGen C1860707, MONDO:0013199, OMIM 613254.

Submission:

Labcorp Genetics (formerly Invitae), Labcorp
Classification: Uncertain significance for Tuberous sclerosis 2. Last evaluated: 2024-02-22. Review status: criteria provided, single submitter. Criteria: Invitae Variant Classification Sherloc (09022015). Collection method: clinical testing. Allele origin: germline.
Comment: This sequence change replaces lysine, which is basic and polar, with asparagine, which is neutral and polar, at codon 829 of the TSC2 protein (p.Lys829Asn). This variant is not present in population databases (gnomAD no frequency). This variant has not been reported in the literature in individuals affected with TSC2-related conditions. Advanced modeling of protein sequence and biophysical properties (such as structural, functional, and spatial information, amino acid conservation, physicochemical variation, residue mobility, and thermodynamic stability) performed at Invitae indicates that this missense variant is not expected to disrupt TSC2 protein function with a negative predictive value of 95%. In summary, the available evidence is currently insufficient to determine the role of this variant in disease. Therefore, it has been classified as a Variant of Uncertain Significance.

NM_000548.5(TSC2):c.2487G>T (p.Lys829Asn)

Gene: TSC2 (TSC complex subunit 2; plus strand). Cytogenetic location: 16p13.3.
Variant type: single nucleotide variant.
Coding change: c.2487G>T on transcript NM_000548.5 (MANE Select); coding-DNA position 2487, G replaced by T.
Protein change: p.Lys829Asn; replaces lysine 829 with asparagine.
Molecular consequence: missense variant. On other transcripts: non-coding transcript variant (5).
Genome position (GRCh38, 1-based): chr16:2,074,331, G>T. VCF-style: chr16-2074331-G-T. GRCh37 (hg19) VCF-style: chr16-2124332-G-T.
Other names: c.2430G>T, p.Lys810Asn (NM_001406677.1); c.2376G>T, p.Lys792Asn (NM_001406678.1, NM_001406670.1, NM_001318827.2); c.2340G>T, p.Lys780Asn (NM_001406679.1, NM_001406675.1, NM_001406676.1 and 1 more transcripts); c.1887G>T, p.Lys629Asn (NM_001406680.1, NM_001406682.1, NM_001406683.1 and 6 more transcripts); c.2025G>T, p.Lys675Asn (NM_001406681.1); c.2577G>T, p.Lys859Asn (NM_001406668.1, NM_001406667.1); c.2475G>T, p.Lys825Asn (NM_001406671.1, NM_001406673.1); c.2487G>T, p.Lys829Asn (NM_001077183.3, NM_001114382.3, NM_001363528.2 and 6 more transcripts); and 3 more; short protein forms K629N, K792N, K829N, K780N, K295N, K381N, K825N, K840N.
Identifiers: ClinVar variation 3637204 (VCV003637204.2).